The following is an entry in ClinVar:

NM_194255.4(SLC19A1):c.908G>A (p.Arg303Gln)

Gene: SLC19A1 (solute carrier family 19 member 1; minus strand). Cytogenetic location: 21q22.3.
Variant type: single nucleotide variant.
Coding change: c.908G>A on transcript NM_194255.4 (MANE Select); coding-DNA position 908, G replaced by A.
Protein change: p.Arg303Gln; replaces arginine 303 with glutamine.
Molecular consequence: missense variant.
Genome position (GRCh38, 1-based): chr21:45,531,430, C>T on the plus strand (G>A on the coding strand, the complement: SLC19A1 is on the minus strand). VCF-style: chr21-45531430-C-T. GRCh37 (hg19) VCF-style: chr21-46951344-C-T.
Other names: c.908G>A, p.Arg303Gln (NM_001205206.4, NM_001352511.3, NM_001352512.2); c.788G>A, p.Arg263Gln (NM_001205207.3); c.554G>A, p.Arg185Gln (NM_001352510.2); short protein forms R263Q, R185Q, R303Q.
Identifiers: ClinVar variation 2127406 (VCV002127406.4), dbSNP rs145725041, ClinGen allele CA10068502.
Genomic context (GRCh38, chr21:45,531,430, plus strand): 5'-GGGACCAGGGCATGCGTACCCAGCAGCGTGGAGGCAGCATCTGCCGCGCCGTTGTAGACC[C>T]GCGCACTGTTGGTGGTGGGGTCCACCTCGTTCCACAGGATGTGCACGTAGTAGACCACCA-3'
Protein context (NP_919231.1, residues 293-313): NEVDPTTNSA[Arg303Gln]VYNGAADAAS

ClinVar aggregate classification (germline): Uncertain significance (1 of 4 stars; one submission).

Allele frequency attached by ClinVar (database versions not stated): gnomAD 0.00020; ESP Exome Variant Server 0.00023.
gnomAD v4.1: 47 of 1,608,530 alleles (0.0029%); highest among the groups gnomAD compares: African/African-American, 0.056%; no homozygotes.

Submission:

Labcorp Genetics (formerly Invitae), Labcorp
Classification: Uncertain significance. Last evaluated: 2022-05-19. Review status: criteria provided, single submitter. Criteria: Invitae Variant Classification Sherloc (09022015). Collection method: clinical testing. Allele origin: germline.
Comment: In summary, the available evidence is currently insufficient to determine the role of this variant in disease. Therefore, it has been classified as a Variant of Uncertain Significance. Algorithms developed to predict the effect of missense changes on protein structure and function output the following: SIFT: "Tolerated"; PolyPhen-2: "Benign"; Align-GVGD: "Class C0". The glutamine amino acid residue is found in multiple mammalian species, which suggests that this missense change does not adversely affect protein function. This variant has not been reported in the literature in individuals affected with SLC19A1-related conditions. This variant is present in population databases (rs145725041, gnomAD 0.07%), and has an allele count higher than expected for a pathogenic variant. This sequence change replaces arginine, which is basic and polar, with glutamine, which is neutral and polar, at codon 303 of the SLC19A1 protein (p.Arg303Gln).